The following is an entry in ClinVar:

ClinVar aggregate classification (germline): Uncertain significance. Review status: criteria provided, multiple submitters, no conflicts (2 of 4 stars). 2 submissions from 2 submitters: Uncertain significance (2). Last evaluated 2024-08-31.

Conditions:
Aicardi-Goutieres syndrome 3. Identifiers: Orphanet 51, MedGen C1835916, MONDO:0012471, OMIM 610329.

Allele frequency attached by ClinVar (database versions not stated): gnomAD exomes 0.00001; TOPMed 0.00002; ExAC 0.00003.

Submissions (2):

Blueprint Genetics
Classification: Uncertain significance. Last evaluated: 2024-08-31. Review status: criteria provided, single submitter. Criteria: ACMG Guidelines, 2015. Collection method: clinical testing. Allele origin: germline.

Labcorp Genetics (formerly Invitae), Labcorp
Classification: Uncertain significance for Aicardi-Goutieres syndrome 3. Last evaluated: 2022-08-09. Review status: criteria provided, single submitter. Criteria: Invitae Variant Classification Sherloc (09022015). Collection method: clinical testing. Allele origin: germline.
Comment: In summary, the available evidence is currently insufficient to determine the role of this variant in disease. Therefore, it has been classified as a Variant of Uncertain Significance. Algorithms developed to predict the effect of sequence changes on RNA splicing suggest that this variant may disrupt the consensus splice site. Algorithms developed to predict the effect of missense changes on protein structure and function output the following: SIFT: "Tolerated"; PolyPhen-2: "Benign"; Align-GVGD: "Class C0". The lysine amino acid residue is found in multiple mammalian species, which suggests that this missense change does not adversely affect protein function. This variant has not been reported in the literature in individuals affected with RNASEH2C-related conditions. This variant is present in population databases (rs771013055, gnomAD 0.004%). This sequence change replaces glutamine, which is neutral and polar, with lysine, which is basic and polar, at codon 160 of the RNASEH2C protein (p.Gln160Lys).

NM_032193.4(RNASEH2C):c.478C>A (p.Gln160Lys)

Gene: RNASEH2C (ribonuclease H2 subunit C; minus strand). Cytogenetic location: 11q13.1.
Variant type: single nucleotide variant.
Coding change: c.478C>A on transcript NM_032193.4 (MANE Select); coding-DNA position 478, C replaced by A.
Protein change: p.Gln160Lys; replaces glutamine 160 with lysine.
Molecular consequence: missense variant.
Genome position (GRCh38, 1-based): chr11:65,719,800, G>T on the plus strand (C>A on the coding strand, the complement: RNASEH2C is on the minus strand). VCF-style: chr11-65719800-G-T. GRCh37 (hg19) VCF-style: chr11-65487271-G-T.
Other names: short protein forms Q160K.
Identifiers: ClinVar variation 1965715 (VCV001965715.5), dbSNP rs771013055, ClinGen allele CA6107598.